The following is an entry in ClinVar:

ClinVar aggregate classification (germline): Uncertain significance. Review status: criteria provided, multiple submitters, no conflicts (2 of 4 stars). 2 submissions from 2 submitters: Uncertain significance (2). Last evaluated 2025-07-12.

Conditions:
Inborn genetic diseases. Identifiers: MedGen C0950123, MeSH D030342.

Allele frequency attached by ClinVar (database versions not stated): ExAC 0.00004; gnomAD 0.00004; TOPMed 0.00005; ESP Exome Variant Server 0.00008.
gnomAD v4.1: 39 of 1,614,102 alleles (0.0024%); highest among the groups gnomAD compares: Non-Finnish European, 0.0033%; no homozygotes.

Submissions (2):

Ambry Genetics
Classification: Uncertain significance for Inborn genetic diseases. Last evaluated: 2025-07-12. Review status: criteria provided, single submitter. Criteria: Ambry Variant Classification Scheme 2023. Collection method: clinical testing. Allele origin: germline.

Labcorp Genetics (formerly Invitae), Labcorp
Classification: Uncertain significance. Last evaluated: 2022-04-06. Review status: criteria provided, single submitter. Criteria: Invitae Variant Classification Sherloc (09022015). Collection method: clinical testing. Allele origin: germline.
Comment: This sequence change replaces serine, which is neutral and polar, with asparagine, which is neutral and polar, at codon 200 of the PHYH protein (p.Ser200Asn). This variant is present in population databases (rs148602565, gnomAD 0.007%). This variant has not been reported in the literature in individuals affected with PHYH-related conditions. ClinVar contains an entry for this variant (Variation ID: 1060043). Algorithms developed to predict the effect of missense changes on protein structure and function output the following: SIFT: "Tolerated"; PolyPhen-2: "Benign"; Align-GVGD: "Class C0". The asparagine amino acid residue is found in multiple mammalian species, which suggests that this missense change does not adversely affect protein function. In summary, the available evidence is currently insufficient to determine the role of this variant in disease. Therefore, it has been classified as a Variant of Uncertain Significance.

NM_006214.4(PHYH):c.599G>A (p.Ser200Asn)

Gene: PHYH (phytanoyl-CoA 2-hydroxylase; minus strand). Cytogenetic location: 10p13.
Variant type: single nucleotide variant.
Coding change: c.599G>A on transcript NM_006214.4 (MANE Select); coding-DNA position 599, G replaced by A.
Protein change: p.Ser200Asn; replaces serine 200 with asparagine.
Molecular consequence: missense variant. On other transcripts: intron variant (1).
Genome position (GRCh38, 1-based): chr10:13,288,439, C>T on the plus strand (G>A on the coding strand, the complement: PHYH is on the minus strand). VCF-style: chr10-13288439-C-T. GRCh37 (hg19) VCF-style: chr10-13330439-C-T.
Other names: c.299G>A, p.Ser100Asn (NM_001037537.2, NM_001323080.2); c.605G>A, p.Ser202Asn (NM_001323082.2); c.305G>A, p.Ser102Asn (NM_001323084.2); c.415-4600G>A (NM_001323083.2); c.599G>A (NM_006214.3); short protein forms S100N, S102N, S200N, S202N.
Identifiers: ClinVar variation 1060043 (VCV001060043.7), dbSNP rs148602565, ClinGen allele CA5412305.